The following is an entry in ClinVar:

ClinVar aggregate classification (germline): Conflicting classifications of pathogenicity. Review status: criteria provided, conflicting classifications (1 of 4 stars). 3 submissions from 3 submitters: Uncertain significance (2); Likely benign (1). Last evaluated 2025-11-05.

Conditions:
Hereditary cancer-predisposing syndrome. Also called: Tumor predisposition; Hereditary Cancer Syndrome; Hereditary neoplastic syndrome; Neoplastic Syndromes, Hereditary. Identifiers: Orphanet 140162, MedGen C0027672, MeSH D009386, MONDO:0015356.
Familial meningioma. Also called: Meningioma, familial, susceptibility to. Identifiers: Orphanet 263662, MedGen C3551915, MONDO:0011789, OMIM 607174.

Allele frequency attached by ClinVar (database versions not stated): gnomAD 0.00003; TOPMed 0.00003.
gnomAD v4.1: 12 of 1,613,918 alleles (0.00074%); highest among the groups gnomAD compares: Non-Finnish European, 0.00093%; no homozygotes.

Submissions (3):

Labcorp Genetics (formerly Invitae), Labcorp
Classification: Uncertain significance for Familial meningioma. Last evaluated: 2025-11-05. Review status: criteria provided, single submitter. Criteria: Invitae Variant Classification Sherloc (09022015). Collection method: clinical testing. Allele origin: germline.
Comment: This sequence change replaces aspartic acid, which is acidic and polar, with glutamic acid, which is acidic and polar, at codon 334 of the SMARCE1 protein (p.Asp334Glu). This variant is present in population databases (no rsID available, gnomAD 0.007%). This variant has not been reported in the literature in individuals affected with SMARCE1-related conditions. ClinVar contains an entry for this variant (Variation ID: 486507). Invitae Evidence Modeling of protein sequence and biophysical properties (such as structural, functional, and spatial information, amino acid conservation, physicochemical variation, residue mobility, and thermodynamic stability) indicates that this missense variant is not expected to disrupt SMARCE1 protein function with a negative predictive value of 80%. In summary, the available evidence is currently insufficient to determine the role of this variant in disease. Therefore, it has been classified as a Variant of Uncertain Significance.

GeneDx
Classification: Uncertain significance. Last evaluated: 2025-06-06. Review status: criteria provided, single submitter. Criteria: GeneDx Variant Classification Process June 2021. Collection method: clinical testing. Allele origin: germline. Affected: yes.
Comment: In silico analysis suggests that this missense variant does not alter protein structure/function; Has not been previously published as pathogenic or benign to our knowledge

Ambry Genetics
Classification: Likely benign for Hereditary cancer-predisposing syndrome. Last evaluated: 2017-08-15. Review status: criteria provided, single submitter. Criteria: Ambry Variant Classification Scheme 2023. Collection method: clinical testing. Allele origin: germline.

NM_003079.5(SMARCE1):c.1002C>G (p.Asp334Glu)

Gene: SMARCE1 (SWI/SNF related BAF chromatin remodeling complex subunit E1; minus strand). Cytogenetic location: 17q21.2.
Variant type: single nucleotide variant.
Coding change: c.1002C>G on transcript NM_003079.5 (MANE Select); coding-DNA position 1002, C replaced by G.
Protein change: p.Asp334Glu; replaces aspartic acid 334 with glutamic acid.
Molecular consequence: missense variant.
Genome position (GRCh38, 1-based): chr17:40,630,739, G>C on the plus strand (C>G on the coding strand, the complement: SMARCE1 is on the minus strand). VCF-style: chr17-40630739-G-C. GRCh37 (hg19) VCF-style: chr17-38786991-G-C.
Other names: short protein forms D334E.
Identifiers: ClinVar variation 486507 (VCV000486507.14), dbSNP rs750483952, ClinGen allele CA290548972.